The following is an entry in ClinVar:

ClinVar aggregate classification (germline): Uncertain significance (1 of 4 stars; one submission).

Allele frequency attached by ClinVar (database versions not stated): gnomAD exomes below 0.00001 and 0.00001; TOPMed 0.00001.
gnomAD v4.1: 6 of 1,614,234 alleles (0.00037%); highest among the groups gnomAD compares: Non-Finnish European, 0.00051%; no homozygotes.

Submission:

Labcorp Genetics (formerly Invitae), Labcorp
Classification: Uncertain significance. Last evaluated: 2019-12-05. Review status: criteria provided, single submitter. Criteria: Invitae Variant Classification Sherloc (09022015). Collection method: clinical testing. Allele origin: germline.
Comment: This sequence change replaces tryptophan with arginine at codon 858 of the AGBL5 protein (p.Trp858Arg). The tryptophan residue is weakly conserved and there is a moderate physicochemical difference between tryptophan and arginine. This variant is not present in population databases (ExAC no frequency). This variant has not been reported in the literature in individuals with AGBL5-related conditions. Algorithms developed to predict the effect of missense changes on protein structure and function output the following: SIFT: "Tolerated"; PolyPhen-2: "Benign"; Align-GVGD: "Class C0". The arginine amino acid residue is found in multiple mammalian species, suggesting that this missense change does not adversely affect protein function. These predictions have not been confirmed by published functional studies and their clinical significance is uncertain. In summary, the available evidence is currently insufficient to determine the role of this variant in disease. Therefore, it has been classified as a Variant of Uncertain Significance.

NM_021831.6(AGBL5):c.2572T>C (p.Trp858Arg)

Gene: AGBL5 (AGBL carboxypeptidase 5; plus strand). Cytogenetic location: 2p23.3.
Variant type: single nucleotide variant.
Coding change: c.2572T>C on transcript NM_021831.6 (MANE Select); coding-DNA position 2572, T replaced by C.
Protein change: p.Trp858Arg; replaces tryptophan 858 with arginine.
Molecular consequence: missense variant. On other transcripts: non-coding transcript variant (2).
Genome position (GRCh38, 1-based): chr2:27,070,174, T>C. VCF-style: chr2-27070174-T-C. GRCh37 (hg19) VCF-style: chr2-27293042-T-C.
Other names: short protein forms W858R.
Identifiers: ClinVar variation 850025 (VCV000850025.9), dbSNP rs1207944062, ClinGen allele CA346143092.